The following is an entry in ClinVar:

NM_004944.4(DNASE1L3):c.643del (p.Trp215fs)

Gene: DNASE1L3 (deoxyribonuclease 1L3; minus strand). Cytogenetic location: 3p14.3.
Variant type: Deletion.
Coding change: c.643del on transcript NM_004944.4 (MANE Select); coding-DNA position 643, one base deleted (T; older notation c.643delT).
Protein change: p.Trp215fs; shifts the reading frame from tryptophan 215.
Molecular consequence: frameshift variant.
Genome position (GRCh38, 1-based): chr3:58,197,882, A deleted on the plus strand (T on the coding strand, the reverse complement: DNASE1L3 is on the minus strand); the first of 3 consecutive A bases (chr3:58,197,882-58,197,884); deleting any one gives the same sequence. VCF-style (leftmost placement, unchanged base first): chr3-58197881-CA-C. GRCh37 (hg19) VCF-style: chr3-58183608-CA-C.
Other names: c.553del, p.Trp185fs (NM_001256560.2); c.643delT (NM_004944.4); short protein forms W185fs, W215fs.
Identifiers: ClinVar variation 30256 (VCV000030256.9), dbSNP rs1575496354, ClinGen allele CA913187419.
Genomic context (GRCh38, chr3:58,197,881, plus strand): 5'-CTGTCATATGCACAGTTGGTGCTCTTCTTCACCGTGGTGTCCTCTTGGTCCCCGATCAGC[CA>C]AACAAACCTGGGGTCAGTCCTCAAGCGGATGTTCTTCCAGGCCTTCTTGGGGACGTAGCT-3'

ClinVar aggregate classification (germline): Pathogenic. Review status: criteria provided, multiple submitters, no conflicts (2 of 4 stars). 4 submissions from 4 submitters: Pathogenic (3). 1 of the submissions does not count toward it. Last evaluated 2023-08-14.

Conditions:
Autosomal systemic lupus erythematosus type 16. Also called: Systemic lupus erythematosus 16. Identifiers: Orphanet 300345, MedGen C3280742, MONDO:0013743, OMIM 614420.

Submissions (4):

Labcorp Genetics (formerly Invitae), Labcorp
Classification: Pathogenic. Last evaluated: 2023-08-14. Review status: criteria provided, single submitter. Criteria: Invitae Variant Classification Sherloc (09022015). Collection method: clinical testing. Allele origin: germline.
Comment: For these reasons, this variant has been classified as Pathogenic. This premature translational stop signal has been observed in individual(s) with systemic lupus erythematosus (PMID: 22019780). It has also been observed to segregate with disease in related individuals. ClinVar contains an entry for this variant (Variation ID: 30256). Algorithms developed to predict the effect of variants on protein structure and function are not available or were not evaluated for this variant. Experimental studies have shown that this premature translational stop signal affects DNASE1L3 function (PMID: 24206041). This sequence change creates a premature translational stop signal (p.Trp215Glyfs*2) in the DNASE1L3 gene. It is expected to result in an absent or disrupted protein product. Loss-of-function variants in DNASE1L3 are known to be pathogenic (PMID: 24206041, 27821515). This variant is not present in population databases (gnomAD no frequency).

Kasturba Medical College, Manipal, Kasturba Medical College, Manipal, Manipal Academy of Higher Education, Manipal, India
Classification: Pathogenic for Autosomal systemic lupus erythematosus type 16. Review status: criteria provided, single submitter. Criteria: ACMG Guidelines, 2015. Collection method: clinical testing. Allele origin: germline. Affected: yes.

Suma Genomics
Classification: Pathogenic for Autosomal systemic lupus erythematosus type 16. Review status: criteria provided, single submitter. Criteria: ACMG Guidelines, 2015. Collection method: clinical testing. Allele origin: inherited. Inheritance: Autosomal recessive inheritance. Affected: yes.

OMIM
Classification: Pathogenic for SYSTEMIC LUPUS ERYTHEMATOSUS 16. Last evaluated: 2011-10-23. Review status: no assertion criteria provided. Collection method: literature only. Allele origin: germline. Not counted in ClinVar's aggregate classification.

Literature cited by the submitters: PubMed 22019780 (cited by Labcorp Genetics (formerly Invitae), Labcorp and OMIM); PubMed 24206041 (cited by Labcorp Genetics (formerly Invitae), Labcorp); PubMed 27821515 (cited by Labcorp Genetics (formerly Invitae), Labcorp).